The following is an entry in ClinVar:

ClinVar aggregate classification (germline): Pathogenic (1 of 4 stars; one submission).

Conditions:
RYR1-related disorder. Also called: RYR1-related condition; RYR1-related disorders. Identifiers: MedGen CN239331.

Submission:

Labcorp Genetics (formerly Invitae), Labcorp
Classification: Pathogenic for RYR1-related disorder. Last evaluated: 2023-01-24. Review status: criteria provided, single submitter. Criteria: Invitae Variant Classification Sherloc (09022015). Collection method: clinical testing. Allele origin: germline.
Comment: For these reasons, this variant has been classified as Pathogenic. This variant has not been reported in the literature in individuals affected with RYR1-related conditions. This variant is not present in population databases (gnomAD no frequency). This sequence change creates a premature translational stop signal (p.Leu3553Cysfs*86) in the RYR1 gene. It is expected to result in an absent or disrupted protein product. Loss-of-function variants in RYR1 are known to be pathogenic (PMID: 20583297, 20839240, 23919265, 28818389).

Literature cited by the submitters: PubMed 20583297; PubMed 20839240; PubMed 23919265; PubMed 28818389.

NM_000540.3(RYR1):c.10656del (p.Leu3553fs)

Gene: RYR1 (ryanodine receptor 1; plus strand). Cytogenetic location: 19q13.2.
Variant type: Deletion.
Coding change: c.10656del on transcript NM_000540.3 (MANE Select); coding-DNA position 10656, one base deleted (T; older notation c.10656delT).
Protein change: p.Leu3553fs; shifts the reading frame from leucine 3553.
Molecular consequence: frameshift variant.
Genome position (GRCh38, 1-based): chr19:38,527,022, T deleted; the last of 3 consecutive T bases (chr19:38,527,020-38,527,022); deleting any one gives the same sequence. VCF-style (leftmost placement, unchanged base first): chr19-38527019-AT-A. GRCh37 (hg19) VCF-style: chr19-39017659-AT-A.
Other names: c.10641del, p.Leu3548fs (NM_001042723.2); short protein forms L3548fs, L3553fs.
Identifiers: ClinVar variation 2831535 (VCV002831535.3), dbSNP rs2514485464, ClinGen allele CA2739276711.